The following is an entry in ClinVar:

ClinVar aggregate classification (germline): Uncertain significance (1 of 4 stars; one submission).

Conditions:
Ullrich congenital muscular dystrophy 2 (UCMD2). Identifiers: Orphanet 75840, MedGen C4225314, MONDO:0014654, OMIM 616470.
Bethlem myopathy 2 (BTHLM2). Identifiers: Orphanet 536516, Orphanet 610, MedGen C4225313, MONDO:0034022, OMIM 616471.

Submission:

Labcorp Genetics (formerly Invitae), Labcorp
Classification: Uncertain significance for Bethlem myopathy 2; Ullrich congenital muscular dystrophy 2. Last evaluated: 2022-08-09. Review status: criteria provided, single submitter. Criteria: Invitae Variant Classification Sherloc (09022015). Collection method: clinical testing. Allele origin: germline.
Comment: This sequence change replaces threonine, which is neutral and polar, with isoleucine, which is neutral and non-polar, at codon 802 of the COL12A1 protein (p.Thr802Ile). This variant is not present in population databases (gnomAD no frequency). This variant has not been reported in the literature in individuals affected with COL12A1-related conditions. ClinVar contains an entry for this variant (Variation ID: 939567). Algorithms developed to predict the effect of missense changes on protein structure and function are either unavailable or do not agree on the potential impact of this missense change (SIFT: "Deleterious"; PolyPhen-2: "Benign"; Align-GVGD: "Class C0"). In summary, the available evidence is currently insufficient to determine the role of this variant in disease. Therefore, it has been classified as a Variant of Uncertain Significance.

NM_004370.6(COL12A1):c.2405C>T (p.Thr802Ile)

Gene: COL12A1 (collagen type XII alpha 1 chain; minus strand). Cytogenetic location: 6q13.
Variant type: single nucleotide variant.
Coding change: c.2405C>T on transcript NM_004370.6 (MANE Select); coding-DNA position 2405, C replaced by T.
Protein change: p.Thr802Ile; replaces threonine 802 with isoleucine.
Molecular consequence: missense variant. On other transcripts: intron variant (1).
Genome position (GRCh38, 1-based): chr6:75,177,695, G>A on the plus strand (C>T on the coding strand, the complement: COL12A1 is on the minus strand). VCF-style: chr6-75177695-G-A. GRCh37 (hg19) VCF-style: chr6-75887411-G-A.
Other names: c.73+25025C>T (NM_080645.3); short protein forms T802I.
Identifiers: ClinVar variation 939567 (VCV000939567.10), dbSNP rs1769035606, ClinGen allele CA364763610.